The following continues an entry in ClinVar:

NM_000545.8(HNF1A):c.812G>A (p.Arg271Gln)

Gene: HNF1A. ClinVar aggregate classification (germline): Pathogenic. Pathogenic (1).

Submissions 6 to 13 of 13:

Ambry Genetics
Classification: Likely pathogenic for Maturity-onset diabetes of the young. Last evaluated: 2024-10-16. Review status: criteria provided, single submitter. Criteria: Ambry Variant Classification Scheme 2023. Collection method: clinical testing. Allele origin: germline. Not counted in ClinVar's aggregate classification.
Comment: The c.812G>A (p.R271Q) alteration is located in exon 4 (coding exon 4) of the HNF1A gene. This alteration results from a G to A substitution at nucleotide position 812, causing the arginine (R) at amino acid position 271 to be replaced by a glutamine (Q). Based on data from gnomAD, the A allele has an overall frequency of 0.001% (2/249024) total alleles studied. The highest observed frequency was 0.006% (1/18344) of East Asian alleles. This variant was reported in multiple individuals with diabetes onset younger than 35 years old, normal BMI, negative autoantibodies, an affected parent, and/or clinically suspected MODY (Tonooka, 2002; Stern, 2007; Radha, 2009; Balamurugan, 2016; Bitterman, 2016; Marchand, 2021). Two other alterations at the same codon, c.811C>T (p.R271W) and c.811C>G (p.R271G) have been detected in individuals with clinical features of MODY (Barrio, 2002; Malecki, 2005). This amino acid position is highly conserved in available vertebrate species. This alteration is predicted to be deleterious by in silico analysis. Based on the available evidence, this alteration is classified as likely pathogenic.

New York Genome Center
Classification: Pathogenic for Maturity-onset diabetes of the young type 3; Type 2 diabetes mellitus; Type 1 diabetes mellitus 20. Last evaluated: 2023-10-04. Review status: criteria provided, single submitter. Criteria: NYGC Assertion Criteria 2020. Collection method: clinical testing. Allele origin: inherited. Observed: 1 variant allele, 1 heterozygote. Not counted in ClinVar's aggregate classification.
Comment: The inherited heterozygous c.812G>A p.(Arg271Gln) variant identified in the HNF1A gene has previously been reported in multiple unrelated individuals with HNF1A related MODY and diabetes [PMID: 12488961, 26853433, 26997508, 33852230, 33538814]. This variant was found to co-segregate with disease and has also been identified in newborn infant with neonatal hypoglycemia [PMID:26997508]. This c.812G>A variant in the HNF1A has been classified as Pathogenic for monogenic diabetes by ClinGen Monogenic Diabetes Variant Curation Expert Panel [ClinVar ID: 449403] and is observed in 2 alleles (~0.0008% minor allele frequency with 0 homozygotes) in population databases (gnomAD v2.1.1 and v3.1.2, TOPMed Freeze 8), suggesting it is not a common benign variant in the populations represented in those databases. The c.812G>A variant in HNF1A is located in exon 4 of this 10-exon gene and predicted to replace an evolutionarily conserved arginine amino acid with glutamine at position 271 in the DNA binding POUh domain (203-279 amino acids) [Uniprot, PMID: 26853433] of the encoded protein. In silico predictions are in favor of the damaging effect for the p. (Arg271Gln) variant [(CADD v1.6 = 32, REVEL = 0.945)]. In vitro functional studies demonstrated reduced transcriptional and nuclear localization activity in the cells carrying c.812G>A variant [PMID: 26853433]. A different missense variant (p. (Arg271Trp)) affecting the same amino acid residue has been reported in the literature [PMID: 21170474] and in ClinVar [ClinVar ID: 265193] in individuals with HNF1A related MODY disorder. Based on available evidence, this inherited heterozygous c.812G>A, p. (Arg271Gln) variant identified in HNF1A gene is classified as Pathogenic.

Institute of Human Genetics, University of Leipzig Medical Center
Classification: Pathogenic for Maturity-onset diabetes of the young type 3. Last evaluated: 2023-04-28. Review status: criteria provided, single submitter. Criteria: ACMG Guidelines, 2015. Collection method: clinical testing. Allele origin: unknown. Affected: yes. Not counted in ClinVar's aggregate classification.
Comment: _x000D_ Criteria applied: PS4, PP1_STR, PP4_MOD, PM2_SUP, PP3

Geisinger Clinic, Geisinger Health System
Classification: Pathogenic for Maturity-onset diabetes of the young type 3. Last evaluated: 2022-08-02. Review status: criteria provided, single submitter. Criteria: ACMG Guidelines, 2015. Collection method: research. Allele origin: germline. Inheritance: Autosomal dominant inheritance. Affected: yes. Observed: 2 variant alleles. Not counted in ClinVar's aggregate classification.
Comment: PS4, PP1_Strong, PM1, PP3, PM2

Blueprint Genetics
Classification: Pathogenic for HNF1A-related disorders. Last evaluated: 2022-04-08. Review status: criteria provided, single submitter. Criteria: ACMG Guidelines, 2015. Collection method: clinical testing. Allele origin: germline. Affected: yes. Observed: 3 variant alleles. Not counted in ClinVar's aggregate classification.

Athena Diagnostics
Classification: Pathogenic. Last evaluated: 2022-01-17. Review status: criteria provided, single submitter. Criteria: Athena Diagnostics Criteria. Collection method: clinical testing. Allele origin: unknown. Not counted in ClinVar's aggregate classification.
Comment: The frequency of this variant in the general population is consistent with pathogenicity. This variant appears to segregate with disease in at least one family. Computational tools yielded predictions that this variant may result in the gain of a cryptic splice site without affecting the natural splice sites. Assessment of experimental evidence suggests this variant results in abnormal protein function. This variant caused significant reduction in transactivation activity (PMID: 26853433). The variant is located in a region that is considered important for protein function and/or structure.

Molecular Genetics, Madras Diabetes Research Foundation
Classification: Likely pathogenic for Maturity-onset diabetes of the young. Review status: criteria provided, single submitter. Criteria: ACMG Guidelines, 2015. Collection method: clinical testing. Allele origin: germline. Affected: yes. Not counted in ClinVar's aggregate classification.

Constantin Polychronakos Laboratory, The Research Institute of the McGill University Health Centre
Classification: Pathogenic for Diabetes mellitus. Review status: no assertion criteria provided. Collection method: research. Allele origin: germline. Inheritance: Autosomal dominant inheritance. Affected: yes. Study: T1DGC. Not counted in ClinVar's aggregate classification.
Comment: PS1 PM2 PM5 PP3

Literature cited by the submitters: PubMed 2975864 (cited by Labcorp Genetics (formerly Invitae), Labcorp); PubMed 17937063 (cited by 3 submitters); PubMed 26853433 (cited by 5 submitters); PubMed 9754819 (cited by Labcorp Genetics (formerly Invitae), Labcorp); PubMed 12488961 (cited by 4 submitters); PubMed 12574234 (cited by Labcorp Genetics (formerly Invitae), Labcorp); PubMed 15928245 (cited by Labcorp Genetics (formerly Invitae), Labcorp); PubMed 16249556 (cited by Labcorp Genetics (formerly Invitae), Labcorp and Ambry Genetics); PubMed 21170474 (cited by Labcorp Genetics (formerly Invitae), Labcorp); PubMed 12050210 (cited by Ambry Genetics); PubMed 19336507 (cited by 3 submitters); PubMed 26997508 (cited by 3 submitters); PubMed 33538814 (cited by 3 submitters); PubMed 33852230 (cited by New York Genome Center); PubMed 36257325 (cited by Geisinger Clinic, Geisinger Health System); PubMed 33950347 (cited by Athena Diagnostics); PubMed 33459938 (cited by Athena Diagnostics).